The following is an entry in ClinVar:

ClinVar aggregate classification (germline): Uncertain significance (1 of 4 stars; one submission).

Conditions:
Glycine encephalopathy. Also called: Nonketotic hyperglycinemia; Non-ketotic hyperglycinemia. Identifiers: Orphanet 407, MedGen C0751748, MONDO:0011612, HP:0008288.

Allele frequency attached by ClinVar (database versions not stated): gnomAD exomes below 0.00001.
gnomAD v4.1: 7 of 1,614,054 alleles (0.00043%); highest among the groups gnomAD compares: South Asian, 0.0011%; no homozygotes.

Submission:

Labcorp Genetics (formerly Invitae), Labcorp
Classification: Uncertain significance for Glycine encephalopathy. Last evaluated: 2022-09-01. Review status: criteria provided, single submitter. Criteria: Invitae Variant Classification Sherloc (09022015). Collection method: clinical testing. Allele origin: germline.
Comment: This sequence change replaces valine, which is neutral and non-polar, with methionine, which is neutral and non-polar, at codon 899 of the GLDC protein (p.Val899Met). This variant is not present in population databases (gnomAD no frequency). This variant has not been reported in the literature in individuals affected with GLDC-related conditions. ClinVar contains an entry for this variant (Variation ID: 1382893). Advanced modeling of protein sequence and biophysical properties (such as structural, functional, and spatial information, amino acid conservation, physicochemical variation, residue mobility, and thermodynamic stability) performed at Invitae indicates that this missense variant is expected to disrupt GLDC protein function. In summary, the available evidence is currently insufficient to determine the role of this variant in disease. Therefore, it has been classified as a Variant of Uncertain Significance.

NM_000170.3(GLDC):c.2695G>A (p.Val899Met)

Gene: GLDC (glycine decarboxylase; minus strand). Cytogenetic location: 9p24.1.
Variant type: single nucleotide variant.
Coding change: c.2695G>A on transcript NM_000170.3 (MANE Select); coding-DNA position 2695, G replaced by A.
Protein change: p.Val899Met; replaces valine 899 with methionine.
Molecular consequence: missense variant.
Genome position (GRCh38, 1-based): chr9:6,536,207, C>T on the plus strand (G>A on the coding strand, the complement: GLDC is on the minus strand). VCF-style: chr9-6536207-C-T. GRCh37 (hg19) VCF-style: chr9-6536207-C-T.
Other names: short protein forms V899M.
Identifiers: ClinVar variation 1382893 (VCV001382893.5), dbSNP rs2129649975, ClinGen allele CA372882919.